The following is an entry in ClinVar:

NM_004370.6(COL12A1):c.7325A>G (p.Lys2442Arg)

Genes: COL12A1 (collagen type XII alpha 1 chain; minus strand), LOC126859712 (MED14-independent group 3 enhancer GRCh37_chr6:75828643-75829842; plus strand). Cytogenetic location: 6q13.
Variant type: single nucleotide variant.
Coding change: c.7325A>G on transcript NM_004370.6 (MANE Select); coding-DNA position 7325, A replaced by G.
Protein change: p.Lys2442Arg; replaces lysine 2442 with arginine.
Molecular consequence: missense variant.
Genome position (GRCh38, 1-based): chr6:75,119,072, T>C on the plus strand (A>G on the coding strand, the complement: COL12A1 is on the minus strand). VCF-style: chr6-75119072-T-C. GRCh37 (hg19) VCF-style: chr6-75828788-T-C.
Other names: c.7325A>G, p.Lys2442Arg (NM_001424113.1); c.7304A>G, p.Lys2435Arg (NM_001424114.1); c.7052A>G, p.Lys2351Arg (NM_001424115.1); c.3833A>G, p.Lys1278Arg (NM_001424116.1, NM_080645.3); short protein forms K2351R, K1278R, K2435R, K2442R.
Identifiers: ClinVar variation 4616155 (VCV004616155.2).

ClinVar aggregate classification (germline): Uncertain significance. Review status: criteria provided, multiple submitters, no conflicts (2 of 4 stars). 2 submissions from 2 submitters: Uncertain significance (2). Last evaluated 2025-10-21.

Conditions:
Bethlem myopathy 2 (BTHLM2). Identifiers: Orphanet 536516, Orphanet 610, MedGen C4225313, MONDO:0034022, OMIM 616471.
Ullrich congenital muscular dystrophy 2 (UCMD2). Identifiers: Orphanet 75840, MedGen C4225314, MONDO:0014654, OMIM 616470.
Inborn genetic diseases. Identifiers: MedGen C0950123, MeSH D030342.

gnomAD v4.1: 6 of 1,613,892 alleles (0.00037%); highest among the groups gnomAD compares: African/African-American, 0.0027%; no homozygotes.

Submissions (2):

Ambry Genetics
Classification: Uncertain significance for Inborn genetic diseases. Last evaluated: 2025-10-21. Review status: criteria provided, single submitter. Criteria: Ambry Variant Classification Scheme 2023. Collection method: clinical testing. Allele origin: germline.
Comment: The c.7325A>G (p.K2442R) alteration is located in exon 46 (coding exon 45) of the COL12A1 gene. This alteration results from a A to G substitution at nucleotide position 7325, causing the lysine (K) at amino acid position 2442 to be replaced by an arginine (R). Based on data from gnomAD, the G allele has an overall frequency of <0.001% (1/249356) total alleles studied. The highest observed frequency was 0.003% (1/34506) of Latino alleles. Based on insufficient or conflicting evidence, the clinical significance of this alteration remains unclear.

Labcorp Genetics (formerly Invitae), Labcorp
Classification: Uncertain significance for Bethlem myopathy 2; Ullrich congenital muscular dystrophy 2. Last evaluated: 2025-06-29. Review status: criteria provided, single submitter. Criteria: Invitae Variant Classification Sherloc (09022015). Collection method: clinical testing. Allele origin: germline.
Comment: This sequence change replaces lysine, which is basic and polar, with arginine, which is basic and polar, at codon 2442 of the COL12A1 protein (p.Lys2442Arg). The frequency data for this variant in the population databases is considered unreliable, as metrics indicate poor data quality at this position in the gnomAD database. This variant has not been reported in the literature in individuals affected with COL12A1-related conditions. Invitae Evidence Modeling of protein sequence and biophysical properties (such as structural, functional, and spatial information, amino acid conservation, physicochemical variation, residue mobility, and thermodynamic stability) indicates that this missense variant is not expected to disrupt COL12A1 protein function with a negative predictive value of 80%. In summary, the available evidence is currently insufficient to determine the role of this variant in disease. Therefore, it has been classified as a Variant of Uncertain Significance.